The following is an entry in ClinVar:

ClinVar aggregate classification (germline): Uncertain significance (1 of 4 stars; one submission).

Submission:

GeneDx
Classification: Uncertain significance. Last evaluated: 2025-06-23. Review status: criteria provided, single submitter. Criteria: GeneDx Variant Classification Process June 2021. Collection method: clinical testing. Allele origin: germline. Affected: yes.
Comment: Not observed at significant frequency in large population cohorts (gnomAD); In silico analysis supports that this missense variant has a deleterious effect on protein structure/function; Has not been previously published as pathogenic or benign to our knowledge

NM_001128840.3(CACNA1D):c.1016G>A (p.Gly339Asp)

Gene: CACNA1D (calcium voltage-gated channel subunit alpha1 D; plus strand). Cytogenetic location: 3p21.1.
Variant type: single nucleotide variant.
Coding change: c.1016G>A on transcript NM_001128840.3 (MANE Select); coding-DNA position 1016, G replaced by A.
Protein change: p.Gly339Asp; replaces glycine 339 with aspartic acid.
Molecular consequence: missense variant.
Genome position (GRCh38, 1-based): chr3:53,666,435, G>A. VCF-style: chr3-53666435-G-A. GRCh37 (hg19) VCF-style: chr3-53700462-G-A.
Other names: c.1016G>A, p.Gly339Asp (NM_000720.4, NM_001128839.3); short protein forms G339D.
Identifiers: ClinVar variation 4540104 (VCV004540104.1).